The following is an entry in ClinVar:

ClinVar aggregate classification (germline): Pathogenic (1 of 4 stars; one submission).

Conditions:
Myopathy, proximal, and ophthalmoplegia (CMYO6). Also called: MYOPATHY WITH CONGENITAL JOINT CONTRACTURES, OPHTHALMOPLEGIA, AND RIMMED VACUOLES; INCLUSION BODY MYOPATHY 3, AUTOSOMAL DOMINANT; CONGENITAL MYOPATHY 6 WITH OPHTHALMOPLEGIA. Identifiers: Orphanet 363677, Orphanet 79091, MedGen C1854106, MONDO:0011577, OMIM 605637.

Submission:

Labcorp Genetics (formerly Invitae), Labcorp
Classification: Pathogenic for Myopathy, proximal, and ophthalmoplegia. Last evaluated: 2021-04-03. Review status: criteria provided, single submitter. Criteria: Invitae Variant Classification Sherloc (09022015). Collection method: clinical testing. Allele origin: germline.
Comment: This variant is not present in population databases (ExAC no frequency). This sequence change inserts a large fragment of DNA, likely a transposable element, in exon 18 of the MYH2 gene (c.1982_1983ins?), causing a frameshift at codon 661 (p.Leu661Phefs). The exact size and sequence of the insertion cannot be determined by the current assay. However, the insertion is expected to result in an absent or disrupted protein product. This variant has not been reported in the literature in individuals with MYH2-related conditions. Algorithms developed to predict the effect of sequence changes on RNA splicing suggest that this variant may create or strengthen a splice site, but this prediction has not been confirmed by published transcriptional studies. Retrotransposon insertions including LINE1 (L1), Alu, and SVA (SINE-VNTR-Alu) have been reported to be disease-causing through disruption of either a coding region or splice site (PMID: 19763152, 20307669, 22406018) and loss-of-function variants in MYH2 are known to be pathogenic (PMID: 20418530, 23388406, 24193343). For these reasons, this variant has been classified as Pathogenic.

Literature cited by the submitters: PubMed 19763152; PubMed 20307669; PubMed 22406018; PubMed 20418530; PubMed 23388406; PubMed 24193343.

NC_000017.11:g.10535371_10535372insGGAGGGAGGAGCCAAGATGGCCGAATAGGAACAGCTCCGGTCTACAGCTCCCAGCGTGAGCGACGCAGAAGACGGTGATTTCTGCATTTCCATCTGAGGTACCGGGTTCANNNNNNNNNNAAAAAAAAAAAAAAAAAAAAAAATTCTCCTGTAA

Genes: MYH2 (myosin heavy chain 2; minus strand), MYHAS (myosin heavy chain gene cluster antisense RNA; plus strand). Cytogenetic location: 17p13.1.
Variant type: Insertion.
Genome position: GRCh38: chr17:10,535,371-10,535,372. GRCh37 (hg19): chr17:10,438,688-10,438,689.
Identifiers: ClinVar variation 1453954 (VCV001453954.6).